The following is an entry in ClinVar:

ClinVar aggregate classification (germline): Uncertain significance (1 of 4 stars; one submission).

gnomAD v4.1: 1 of 1,389,092 alleles (0.000072%); highest among the groups gnomAD compares: Non-Finnish European, 0.0001%; no homozygotes.

Submission:

Dasa
Classification: Uncertain significance. Last evaluated: 2026-03-03. Review status: criteria provided, single submitter. Criteria: DASA Assertion Criteria. Collection method: clinical testing. Allele origin: germline.
Comment: NM_006218.4(PIK3CA):c.2294+7T>C is a splice-region variant. This variant is rare in population databases. Computational prediction algorithms are consistent with a benign effect. The currently available literature and clinical evidence are not sufficient to establish a definitive association between this variant and the reported condition. Therefore, this variant is classified as a variant of uncertain significance.

NM_006218.4(PIK3CA):c.2294+7T>C

Gene: PIK3CA (phosphatidylinositol-4,5-bisphosphate 3-kinase catalytic subunit alpha; plus strand). Cytogenetic location: 3q26.32.
Variant type: single nucleotide variant.
Coding change: c.2294+7T>C on transcript NM_006218.4 (MANE Select); 7 bases into the intron after coding-DNA position 2294, T replaced by C.
Molecular consequence: intron variant.
Genome position (GRCh38, 1-based): chr3:179,224,194, T>C. VCF-style: chr3-179224194-T-C. GRCh37 (hg19) VCF-style: chr3-178941982-T-C.
Identifiers: ClinVar variation 4882074 (VCV004882074.2).